The following is an entry in ClinVar:

NM_014714.4(IFT140):c.167del (p.Thr56fs)

Genes: IFT140 (intraflagellar transport 140; minus strand), LOC105371046 (uncharacterized LOC105371046; plus strand). Cytogenetic location: 16p13.3.
Variant type: Deletion.
Coding change: c.167del on transcript NM_014714.4 (MANE Select); coding-DNA position 167, one base deleted (C; older notation c.167delC).
Protein change: p.Thr56fs; shifts the reading frame from threonine 56.
Molecular consequence: frameshift variant.
Genome position (GRCh38, 1-based): chr16:1,602,572, G deleted on the plus strand (C on the coding strand, the reverse complement: IFT140 is on the minus strand). VCF-style (leftmost placement, unchanged base first): chr16-1602571-TG-T. GRCh37 (hg19) VCF-style: chr16-1652572-TG-T.
Other names: short protein forms T56fs.
Identifiers: ClinVar variation 3726826 (VCV003726826.2).

ClinVar aggregate classification (germline): Pathogenic (1 of 4 stars; one submission).

Conditions:
Saldino-Mainzer syndrome (SRTD9). Also called: CONORENAL SYNDROME; Renal dysplasia, retinal pigmentary dystrophy, cerebellar ataxia and skeletal dysplasia; SHORT-RIB THORACIC DYSPLASIA 9 WITHOUT POLYDACTYLY; short-rib thoracic dysplasia 9 with or without polydactyly. Identifiers: Orphanet 140969, MedGen C1849437, MONDO:0009964, OMIM 266920.

Submission:

Labcorp Genetics (formerly Invitae), Labcorp
Classification: Pathogenic for Saldino-Mainzer syndrome. Last evaluated: 2025-04-17. Review status: criteria provided, single submitter. Criteria: Invitae Variant Classification Sherloc (09022015). Collection method: clinical testing. Allele origin: germline.
Comment: This sequence change creates a premature translational stop signal (p.Thr56Asnfs*30) in the IFT140 gene. It is expected to result in an absent or disrupted protein product. Loss-of-function variants in IFT140 are known to be pathogenic (PMID: 22503633, 23418020, 24009529, 26216056). This variant is not present in population databases (gnomAD no frequency). This variant has not been reported in the literature in individuals affected with IFT140-related conditions. ClinVar contains an entry for this variant (Variation ID: 3726826). For these reasons, this variant has been classified as Pathogenic.

Literature cited by the submitters: PubMed 22503633; PubMed 23418020; PubMed 24009529; PubMed 26216056.